The following is an entry in ClinVar:

NM_000075.4(CDK4):c.265G>A (p.Val89Ile)

Gene: CDK4 (cyclin dependent kinase 4; minus strand). Cytogenetic location: 12q14.1.
Variant type: single nucleotide variant.
Coding change: c.265G>A on transcript NM_000075.4 (MANE Select); coding-DNA position 265, G replaced by A.
Protein change: p.Val89Ile; replaces valine 89 with isoleucine.
Molecular consequence: missense variant.
Genome position (GRCh38, 1-based): chr12:57,751,296, C>T on the plus strand (G>A on the coding strand, the complement: CDK4 is on the minus strand). VCF-style: chr12-57751296-C-T. GRCh37 (hg19) VCF-style: chr12-58145079-C-T.
Other names: short protein forms V89I.
Identifiers: ClinVar variation 821591 (VCV000821591.10), dbSNP rs1190779336, ClinGen allele CA385548113.

ClinVar aggregate classification (germline): Uncertain significance. Review status: criteria provided, multiple submitters, no conflicts (2 of 4 stars). 2 submissions from 2 submitters: Uncertain significance (2). Last evaluated 2025-12-14.

Conditions:
Familial melanoma. Also called: Hereditary melanoma; Hereditary cutaneous melanoma. Identifiers: Orphanet 618, MedGen C1512419, MONDO:0018961.
Hereditary cancer-predisposing syndrome. Also called: Tumor predisposition; Hereditary Cancer Syndrome; Neoplastic Syndromes, Hereditary; Hereditary neoplastic syndrome. Identifiers: Orphanet 140162, MedGen C0027672, MeSH D009386, MONDO:0015356.

Allele frequency attached by ClinVar (database versions not stated): TOPMed below 0.00001.

Submissions (2):

Labcorp Genetics (formerly Invitae), Labcorp
Classification: Uncertain significance for Familial melanoma. Last evaluated: 2025-12-14. Review status: criteria provided, single submitter. Criteria: Invitae Variant Classification Sherloc (09022015). Collection method: clinical testing. Allele origin: germline.
Comment: This sequence change replaces valine, which is neutral and non-polar, with isoleucine, which is neutral and non-polar, at codon 89 of the CDK4 protein (p.Val89Ile). This variant is not present in population databases (gnomAD no frequency). This variant has not been reported in the literature in individuals affected with CDK4-related conditions. ClinVar contains an entry for this variant (Variation ID: 821591). Invitae Evidence Modeling of protein sequence and biophysical properties (such as structural, functional, and spatial information, amino acid conservation, physicochemical variation, residue mobility, and thermodynamic stability) indicates that this missense variant is not expected to disrupt CDK4 protein function with a negative predictive value of 95%. In summary, the available evidence is currently insufficient to determine the role of this variant in disease. Therefore, it has been classified as a Variant of Uncertain Significance.

Ambry Genetics
Classification: Uncertain significance for Hereditary cancer-predisposing syndrome. Last evaluated: 2022-09-30. Review status: criteria provided, single submitter. Criteria: Ambry Variant Classification Scheme 2023. Collection method: clinical testing. Allele origin: germline.
Comment: The p.V89I variant (also known as c.265G>A), located in coding exon 2 of the CDK4 gene, results from a G to A substitution at nucleotide position 265. The valine at codon 89 is replaced by isoleucine, an amino acid with highly similar properties. This amino acid position is not well conserved in available vertebrate species. In addition, this alteration is predicted to be tolerated by in silico analysis. Since supporting evidence is limited at this time, the clinical significance of this alteration remains unclear.